The following is an entry in ClinVar:

ClinVar aggregate classification (germline): Conflicting classifications of pathogenicity. Review status: criteria provided, conflicting classifications (1 of 4 stars). 7 submissions from 7 submitters: Uncertain significance (4); Likely benign (3). Last evaluated 2025-11-21.

Conditions:
Cardiovascular phenotype. Identifiers: MedGen CN230736.
Long QT syndrome (LQTS). Identifiers: MedGen C0023976, MeSH D008133, MONDO:0002442. Disease mechanism: loss of function. Inheritance: Various modes of inheritance.
Long QT syndrome 11 (LQT11). Identifiers: Orphanet 101016, Orphanet 768, MedGen C2678483, MONDO:0012738, OMIM 611820.

Allele frequency attached by ClinVar (database versions not stated): gnomAD exomes 0.00010 and 0.00016; ExAC 0.00011; gnomAD 0.00012 and 0.00013; TOPMed 0.00012; ESP Exome Variant Server 0.00015.
gnomAD v4.1: 246 of 1,591,074 alleles (0.015%); highest among the groups gnomAD compares: Admixed American, 0.039%; no homozygotes.

Submissions (7):

Labcorp Genetics (formerly Invitae), Labcorp
Classification: Uncertain significance for Long QT syndrome. Last evaluated: 2025-11-21. Review status: criteria provided, single submitter. Criteria: Invitae Variant Classification Sherloc (09022015). Collection method: clinical testing. Allele origin: germline.
Comment: This sequence change replaces alanine, which is neutral and non-polar, with threonine, which is neutral and polar, at codon 771 of the AKAP9 protein (p.Ala771Thr). This variant is present in population databases (rs148267537, gnomAD 0.04%). This variant has not been reported in the literature in individuals affected with AKAP9-related conditions. ClinVar contains an entry for this variant (Variation ID: 240250). An algorithm developed to predict the effect of missense changes on protein structure and function outputs the following: PolyPhen-2: "Benign". The threonine amino acid residue is found in multiple mammalian species, which suggests that this missense change does not adversely affect protein function. In summary, the available evidence is currently insufficient to determine the role of this variant in disease. Therefore, it has been classified as a Variant of Uncertain Significance.

Blueprint Genetics
Classification: Likely benign. Last evaluated: 2024-11-04. Review status: criteria provided, single submitter. Criteria: ACMG Guidelines, 2015. Collection method: clinical testing. Allele origin: germline.

Women's Health and Genetics/Laboratory Corporation of America, LabCorp
Classification: Likely benign. Last evaluated: 2022-07-24. Review status: criteria provided, single submitter. Criteria: LabCorp Variant Classification Summary - May 2015. Collection method: clinical testing. Allele origin: germline.

Ambry Genetics
Classification: Likely benign for Cardiovascular phenotype. Last evaluated: 2022-03-24. Review status: criteria provided, single submitter. Criteria: Ambry Variant Classification Scheme 2023. Collection method: clinical testing. Allele origin: germline.

Fulgent Genetics
Classification: Uncertain significance for Long QT syndrome 11. Last evaluated: 2021-07-20. Review status: criteria provided, single submitter. Criteria: ACMG Guidelines, 2015. Collection method: clinical testing. Allele origin: unknown.

CeGaT Center for Human Genetics Tuebingen
Classification: Uncertain significance. Last evaluated: 2019-02-01. Review status: criteria provided, single submitter. Criteria: CeGaT Center For Human Genetics Tuebingen Variant Classification Criteria Version 2. Collection method: clinical testing. Allele origin: germline. Affected: yes. Observed: 1 variant allele.

Breakthrough Genomics
Classification: Uncertain significance. Review status: criteria provided, single submitter. Criteria: ACMG Guidelines, 2015. Collection method: not provided. Allele origin: germline. Inheritance: Autosomal recessive inheritance. Affected: yes.

NM_005751.5(AKAP9):c.2311G>A (p.Ala771Thr)

Gene: AKAP9 (A-kinase anchoring protein 9; plus strand). Cytogenetic location: 7q21.2.
Variant type: single nucleotide variant.
Coding change: c.2311G>A on transcript NM_005751.5 (MANE Select); coding-DNA position 2311, G replaced by A.
Protein change: p.Ala771Thr; replaces alanine 771 with threonine.
Molecular consequence: missense variant.
Genome position (GRCh38, 1-based): chr7:92,002,228, G>A. VCF-style: chr7-92002228-G-A. GRCh37 (hg19) VCF-style: chr7-91631542-G-A.
Other names: c.2311G>A, p.Ala771Thr (NM_147185.3); short protein forms A771T.
Identifiers: ClinVar variation 240250 (VCV000240250.56), dbSNP rs148267537, ClinGen allele CA4336114.